The following is an entry in ClinVar:

NM_005219.5(DIAPH1):c.550G>A (p.Gly184Ser)

Gene: DIAPH1 (diaphanous related formin 1; minus strand). Cytogenetic location: 5q31.3.
Variant type: single nucleotide variant.
Coding change: c.550G>A on transcript NM_005219.5 (MANE Select); coding-DNA position 550, G replaced by A.
Protein change: p.Gly184Ser; replaces glycine 184 with serine.
Molecular consequence: missense variant.
Genome position (GRCh38, 1-based): chr5:141,583,276, C>T on the plus strand (G>A on the coding strand, the complement: DIAPH1 is on the minus strand). VCF-style: chr5-141583276-C-T. GRCh37 (hg19) VCF-style: chr5-140962843-C-T.
Other names: c.523G>A, p.Gly175Ser (NM_001079812.3); c.550G>A, p.Gly184Ser (NM_001314007.2); short protein forms G184S, G175S.
Identifiers: ClinVar variation 4785918 (VCV004785918.1).

ClinVar aggregate classification (germline): Uncertain significance (1 of 4 stars; one submission).

Conditions:
Progressive microcephaly-seizures-cortical blindness-developmental delay syndrome. Also called: Seizures, cortical blindness, and microcephaly syndrome. Identifiers: Orphanet 477814, MedGen C5567650, MONDO:0014714, OMIM 616632.
Autosomal dominant nonsyndromic hearing loss 1. Also called: DEAFNESS, AUTOSOMAL DOMINANT 1, WITH OR WITHOUT THROMBOCYTOPENIA; KONIGSMARK SYNDROME. Identifiers: Orphanet 90635, MedGen C1852282, MONDO:0007424, OMIM 124900.

Submission:

Labcorp Genetics (formerly Invitae), Labcorp
Classification: Uncertain significance for Progressive microcephaly-seizures-cortical blindness-developmental delay syndrome; Autosomal dominant nonsyndromic hearing loss 1. Last evaluated: 2025-08-25. Review status: criteria provided, single submitter. Criteria: Invitae Variant Classification Sherloc (09022015). Collection method: clinical testing. Allele origin: germline.
Comment: This sequence change replaces glycine, which is neutral and non-polar, with serine, which is neutral and polar, at codon 184 of the DIAPH1 protein (p.Gly184Ser). This variant is not present in population databases (gnomAD no frequency). This variant has not been reported in the literature in individuals affected with DIAPH1-related conditions. Experimental studies and prediction algorithms are not available or were not evaluated, and the functional significance of this variant is currently unknown. In summary, the available evidence is currently insufficient to determine the role of this variant in disease. Therefore, it has been classified as a Variant of Uncertain Significance.